The following is an entry in ClinVar:

ClinVar aggregate classification (germline): Conflicting classifications of pathogenicity. Review status: criteria provided, conflicting classifications (1 of 4 stars). 2 submissions from 2 submitters: Uncertain significance (1); Likely benign (1). Last evaluated 2025-07-07.

Conditions:
Inborn genetic diseases. Identifiers: MedGen C0950123, MeSH D030342.

gnomAD v4.1: 2 of 1,613,830 alleles (0.00012%); highest among the groups gnomAD compares: Non-Finnish European, 0.00017%; no homozygotes.

Submissions (2):

Ambry Genetics
Classification: Uncertain significance for Inborn genetic diseases. Last evaluated: 2025-07-07. Review status: criteria provided, single submitter. Criteria: Ambry Variant Classification Scheme 2023. Collection method: clinical testing. Allele origin: germline.

CeGaT Center for Human Genetics Tuebingen
Classification: Likely benign. Last evaluated: 2024-07-01. Review status: criteria provided, single submitter. Criteria: CeGaT Center For Human Genetics Tuebingen Variant Classification Criteria Version 2. Collection method: clinical testing. Allele origin: germline. Affected: yes. Observed: 1 variant allele.
Comment: KMT2C: BP4

NM_170606.3(KMT2C):c.2176C>A (p.Gln726Lys)

Gene: KMT2C (lysine methyltransferase 2C; minus strand). Cytogenetic location: 7q36.1.
Variant type: single nucleotide variant.
Coding change: c.2176C>A on transcript NM_170606.3 (MANE Select); coding-DNA position 2176, C replaced by A.
Protein change: p.Gln726Lys; replaces glutamine 726 with lysine.
Molecular consequence: missense variant.
Genome position (GRCh38, 1-based): chr7:152,248,258, G>T on the plus strand (C>A on the coding strand, the complement: KMT2C is on the minus strand). VCF-style: chr7-152248258-G-T. GRCh37 (hg19) VCF-style: chr7-151945343-G-T.
Other names: c.2176C>A (NM_170606.2); short protein forms Q726K.
Identifiers: ClinVar variation 3257164 (VCV003257164.18).